The following is an entry in ClinVar:

ClinVar aggregate classification (germline): Uncertain significance (1 of 4 stars; one submission).

Conditions:
CHARGE syndrome (CHARGE). Also called: Hittner Hirsch Kreh syndrome; CHARGE ASSOCIATION--COLOBOMA, HEART ANOMALY, CHOANAL ATRESIA, RETARDATION, GENITAL AND EAR ANOMALIES; Coloboma, heart anomaly, choanal atresia, retardation, genital and ear anomalies; CHARGE association; Hall-Hittner syndrome. Identifiers: Orphanet 138, MedGen C0265354, MONDO:0008965.

Submission:

Labcorp Genetics (formerly Invitae), Labcorp
Classification: Uncertain significance for CHARGE syndrome. Last evaluated: 2024-01-27. Review status: criteria provided, single submitter. Criteria: Invitae Variant Classification Sherloc (09022015). Collection method: clinical testing. Allele origin: germline.
Comment: This sequence change replaces proline, which is neutral and non-polar, with leucine, which is neutral and non-polar, at codon 604 of the SEMA3E protein (p.Pro604Leu). This variant is not present in population databases (gnomAD no frequency). This variant has not been reported in the literature in individuals affected with SEMA3E-related conditions. Advanced modeling of protein sequence and biophysical properties (such as structural, functional, and spatial information, amino acid conservation, physicochemical variation, residue mobility, and thermodynamic stability) performed at Invitae indicates that this missense variant is not expected to disrupt SEMA3E protein function with a negative predictive value of 80%. In summary, the available evidence is currently insufficient to determine the role of this variant in disease. Therefore, it has been classified as a Variant of Uncertain Significance.

NM_012431.3(SEMA3E):c.1811C>T (p.Pro604Leu)

Gene: SEMA3E (semaphorin 3E; minus strand). Cytogenetic location: 7q21.11.
Variant type: single nucleotide variant.
Coding change: c.1811C>T on transcript NM_012431.3 (MANE Select); coding-DNA position 1811, C replaced by T.
Protein change: p.Pro604Leu; replaces proline 604 with leucine.
Molecular consequence: missense variant.
Genome position (GRCh38, 1-based): chr7:83,385,358, G>A on the plus strand (C>T on the coding strand, the complement: SEMA3E is on the minus strand). VCF-style: chr7-83385358-G-A. GRCh37 (hg19) VCF-style: chr7-83014674-G-A.
Other names: c.1631C>T, p.Pro544Leu (NM_001178129.2); short protein forms P544L, P604L.
Identifiers: ClinVar variation 2742743 (VCV002742743.3), dbSNP rs2484275397, ClinGen allele CA367921798.